The following is an entry in ClinVar:

NM_014284.3(NCDN):c.1086G>A (p.Val362=)

Gene: NCDN (neurochondrin; plus strand). Cytogenetic location: 1p34.3.
Variant type: single nucleotide variant.
Coding change: c.1086G>A on transcript NM_014284.3 (MANE Select); coding-DNA position 1086, G replaced by A.
Protein change: p.Val362=; no amino-acid change (valine 362 retained).
Molecular consequence: synonymous variant.
Genome position (GRCh38, 1-based): chr1:35,561,237, G>A. VCF-style: chr1-35561237-G-A. GRCh37 (hg19) VCF-style: chr1-36026838-G-A.
Other names: c.1086G>A, p.Val362= (NM_001014839.2); c.1035G>A, p.Val345= (NM_001014841.2).
Identifiers: ClinVar variation 3251103 (VCV003251103.18), dbSNP rs1335269993.

ClinVar aggregate classification (germline): Likely benign (1 of 4 stars; one submission).

Allele frequency attached by ClinVar (database versions not stated): gnomAD exomes below 0.00001.
gnomAD v4.1: 5 of 1,611,454 alleles (0.00031%); highest among the groups gnomAD compares: Admixed American, 0.0017%; no homozygotes.

Submission:

CeGaT Center for Human Genetics Tuebingen
Classification: Likely benign. Last evaluated: 2024-06-01. Review status: criteria provided, single submitter. Criteria: CeGaT Center For Human Genetics Tuebingen Variant Classification Criteria Version 2. Collection method: clinical testing. Allele origin: germline. Affected: yes. Observed: 1 variant allele.
Comment: NCDN: BP5